The following is an entry in ClinVar:

ClinVar aggregate classification (germline): Uncertain significance (1 of 4 stars; one submission).

Allele frequency attached by ClinVar (database versions not stated): gnomAD 0.00001; ExAC 0.00002; TOPMed 0.00002; ESP Exome Variant Server 0.00008.
gnomAD v4.1: 32 of 1,612,146 alleles (0.002%); highest among the groups gnomAD compares: Middle Eastern, 0.016%; no homozygotes.

Submission:

Labcorp Genetics (formerly Invitae), Labcorp
Classification: Uncertain significance. Last evaluated: 2024-11-11. Review status: criteria provided, single submitter. Criteria: Invitae Variant Classification Sherloc (09022015). Collection method: clinical testing. Allele origin: germline.
Comment: This sequence change replaces threonine, which is neutral and polar, with methionine, which is neutral and non-polar, at codon 266 of the COQ8A protein (p.Thr266Met). This variant is present in population databases (rs149924675, gnomAD 0.003%). This variant has not been reported in the literature in individuals affected with COQ8A-related conditions. ClinVar contains an entry for this variant (Variation ID: 2055461). Invitae Evidence Modeling of protein sequence and biophysical properties (such as structural, functional, and spatial information, amino acid conservation, physicochemical variation, residue mobility, and thermodynamic stability) has been performed for this missense variant. However, the output from this modeling did not meet the statistical confidence thresholds required to predict the impact of this variant on COQ8A protein function. In summary, the available evidence is currently insufficient to determine the role of this variant in disease. Therefore, it has been classified as a Variant of Uncertain Significance.

NM_020247.5(COQ8A):c.797C>T (p.Thr266Met)

Gene: COQ8A (coenzyme Q8A; plus strand). Cytogenetic location: 1q42.13.
Variant type: single nucleotide variant.
Coding change: c.797C>T on transcript NM_020247.5 (MANE Select); coding-DNA position 797, C replaced by T.
Protein change: p.Thr266Met; replaces threonine 266 with methionine.
Molecular consequence: missense variant.
Genome position (GRCh38, 1-based): chr1:226,982,093, C>T. VCF-style: chr1-226982093-C-T. GRCh37 (hg19) VCF-style: chr1-227169794-C-T.
Other names: short protein forms T266M.
Identifiers: ClinVar variation 2055461 (VCV002055461.3), dbSNP rs149924675, ClinGen allele CA1425160.